The following is an entry in ClinVar:

NM_182746.3(MCM4):c.399+5G>A

Gene: MCM4 (minichromosome maintenance complex component 4; plus strand). Cytogenetic location: 8q11.21.
Variant type: single nucleotide variant.
Coding change: c.399+5G>A on transcript NM_182746.3 (MANE Select); 5 bases into the intron after coding-DNA position 399, G replaced by A.
Molecular consequence: intron variant.
Genome position (GRCh38, 1-based): chr8:47,962,221, G>A. VCF-style: chr8-47962221-G-A. GRCh37 (hg19) VCF-style: chr8-48874781-G-A.
Other names: c.399+5G>A (NM_005914.4).
Identifiers: ClinVar variation 1919685 (VCV001919685.5), dbSNP rs368548676, ClinGen allele CA4742265.

ClinVar aggregate classification (germline): Uncertain significance (1 of 4 stars; one submission).

Allele frequency attached by ClinVar (database versions not stated): TOPMed below 0.00001; ExAC 0.00001; gnomAD 0.00001; gnomAD exomes 0.00002; ESP Exome Variant Server 0.00008.
gnomAD v4.1: 35 of 1,614,068 alleles (0.0022%); highest among the groups gnomAD compares: Non-Finnish European, 0.003%; no homozygotes.

Submission:

Labcorp Genetics (formerly Invitae), Labcorp
Classification: Uncertain significance. Last evaluated: 2022-08-31. Review status: criteria provided, single submitter. Criteria: Invitae Variant Classification Sherloc (09022015). Collection method: clinical testing. Allele origin: germline.
Comment: In summary, the available evidence is currently insufficient to determine the role of this variant in disease. Therefore, it has been classified as a Variant of Uncertain Significance. Variants that disrupt the consensus splice site are a relatively common cause of aberrant splicing (PMID: 17576681, 9536098). Algorithms developed to predict the effect of sequence changes on RNA splicing suggest that this variant may disrupt the consensus splice site. This variant has not been reported in the literature in individuals affected with MCM4-related conditions. This variant is present in population databases (rs368548676, gnomAD 0.004%). This sequence change falls in intron 3 of the MCM4 gene. It does not directly change the encoded amino acid sequence of the MCM4 protein. It affects a nucleotide within the consensus splice site.

Literature cited by the submitters: PubMed 17576681; PubMed 9536098.